The following is an entry in ClinVar:

ClinVar aggregate classification (germline): Uncertain significance. Review status: criteria provided, multiple submitters, no conflicts (2 of 4 stars). 2 submissions from 2 submitters: Uncertain significance (2). Last evaluated 2025-11-20.

Conditions:
Inborn genetic diseases. Identifiers: MedGen C0950123, MeSH D030342.

gnomAD v4.1: 15 of 1,612,536 alleles (0.00093%); highest among the groups gnomAD compares: African/African-American, 0.012%; no homozygotes.

Submissions (2):

Ambry Genetics
Classification: Uncertain significance for Inborn genetic diseases. Last evaluated: 2025-11-20. Review status: criteria provided, single submitter. Criteria: Ambry Variant Classification Scheme 2023. Collection method: clinical testing. Allele origin: germline.

Labcorp Genetics (formerly Invitae), Labcorp
Classification: Uncertain significance. Last evaluated: 2025-06-24. Review status: criteria provided, single submitter. Criteria: Invitae Variant Classification Sherloc (09022015). Collection method: clinical testing. Allele origin: germline.
Comment: This sequence change replaces glutamic acid, which is acidic and polar, with lysine, which is basic and polar, at codon 36 of the MMP14 protein (p.Glu36Lys). This variant is present in population databases (rs148673967, gnomAD 0.03%). This variant has not been reported in the literature in individuals affected with MMP14-related conditions. An algorithm developed to predict the effect of missense changes on protein structure and function (PolyPhen-2) suggests that this variant is likely to be tolerated. In summary, the available evidence is currently insufficient to determine the role of this variant in disease. Therefore, it has been classified as a Variant of Uncertain Significance.

NM_004995.4(MMP14):c.106G>A (p.Glu36Lys)

Gene: MMP14 (matrix metallopeptidase 14; plus strand). Cytogenetic location: 14q11.2.
Variant type: single nucleotide variant.
Coding change: c.106G>A on transcript NM_004995.4 (MANE Select); coding-DNA position 106, G replaced by A.
Protein change: p.Glu36Lys; replaces glutamic acid 36 with lysine.
Molecular consequence: missense variant.
Genome position (GRCh38, 1-based): chr14:22,836,923, G>A. VCF-style: chr14-22836923-G-A. GRCh37 (hg19) VCF-style: chr14-23306132-G-A.
Other names: short protein forms E36K.
Identifiers: ClinVar variation 4625091 (VCV004625091.2).